The following is an entry in ClinVar:

ClinVar aggregate classification (germline): Likely benign (1 of 4 stars; one submission).

Allele frequency attached by ClinVar (database versions not stated): 1000 Genomes Project 30x 0.00265; 1000 Genomes Project 0.00300; gnomAD 0.00361 and 0.00389; TOPMed 0.00425.

Submission:

GeneDx
Classification: Likely benign. Last evaluated: 2018-06-12. Review status: criteria provided, single submitter. Criteria: GeneDx Variant Classification (06012015). Collection method: clinical testing. Allele origin: germline. Affected: yes.
Comment: This variant is considered likely benign or benign based on one or more of the following criteria: it is a conservative change, it occurs at a poorly conserved position in the protein, it is predicted to be benign by multiple in silico algorithms, and/or has population frequency not consistent with disease.

NM_002878.4(RAD51D):c.263+1857_263+1858insT

Genes: RAD51D (RAD51 paralog D; minus strand), RAD51L3-RFFL (RAD51L3-RFFL readthrough; minus strand). Cytogenetic location: 17q12.
Variant type: Insertion.
Coding change: c.263+1857_263+1858insT on transcript NM_002878.4 (MANE Select); bases 1857 to 1858 of the intron after coding-DNA position 263, T inserted.
Molecular consequence: intron variant.
Genome position: GRCh38 VCF-style: chr17-35116643-C-CA. GRCh37 (hg19) VCF-style: chr17-33443662-C-CA.
Other names: c.144+2467_144+2468insT (NM_133629.3); c.323+215_323+216insT (NM_001142571.2).
Identifiers: ClinVar variation 683446 (VCV000683446.1), dbSNP rs558397245, ClinGen allele CA290004899.
Genomic context (GRCh38, chr17:35,116,643, plus strand): 5'-TTCCCGGGTTCATGCTATTCTCCTGCCTCAGCCTTCCGAGTAGCTGGGACTACAGGCGCC[C>CA]GCCACCACGCCCAGCTAATATTTTGTACTTTTAGTAGAGACGGGGTTTTACCGTGTTAGC-3'